The following is an entry in ClinVar:

NM_000169.3(GLA):c.644A>G (p.Asn215Ser)

Genes: GLA (galactosidase alpha; minus strand), RPL36A-HNRNPH2 (RPL36A-HNRNPH2 readthrough; plus strand). Cytogenetic location: Xq22.1.
Variant type: single nucleotide variant.
Coding change: c.644A>G on transcript NM_000169.3 (MANE Select); coding-DNA position 644, A replaced by G.
Protein change: p.Asn215Ser; replaces asparagine 215 with serine.
Molecular consequence: missense variant. On other transcripts: non-coding transcript variant (3), intron variant (2).
Genome position (GRCh38, 1-based): chrX:101,398,942, T>C on the plus strand (A>G on the coding strand, the complement: GLA is on the minus strand). VCF-style: chrX-101398942-T-C. GRCh37 (hg19) VCF-style: chrX-100653930-T-C.
Other names: p.N215S:AAT>AGT; c.300+3485T>C (NM_001199973.2); c.177+7120T>C (NM_001199974.2); c.767A>G, p.Asn256Ser (NM_001406747.1); c.644A>G, p.Asn215Ser (NM_001406748.1); c.644A>G (NM_000169.2); short protein forms N215S, N256S.
Identifiers: ClinVar variation 10730 (VCV000010730.61), dbSNP rs28935197, ClinGen allele CA021924.
Genomic context (GRCh38, chrX:101,398,942, plus strand): 5'-GAATCATCAATGTCAGCAAAATTTCGCCAGTGATTGCAGTACTGTCGGATTTCTGTATAA[T>C]TGGGCTGTGAAAACAGATATGACTCTTCTGTTTACTTTCTACTAACATCCTTGTGAGATG-3'
Protein context (NP_000160.1, residues 205-225): PLYMWPFQKP[Asn215Ser]YTEIRQYCNH

ClinVar aggregate classification (germline): Pathogenic. Review status: criteria provided, multiple submitters, no conflicts (2 of 4 stars). 28 submissions from 28 submitters: Pathogenic (25). 3 of the submissions do not count toward it. Last evaluated 2026-09-08.

Conditions:
GLA-related disorder. Also called: GLA-related condition.
Hypertrophic cardiomyopathy. Also called: HYPERTROPHIC MYOCARDIOPATHY. Identifiers: Orphanet 217569, MedGen C0007194, MeSH D002312, MONDO:0005045, HP:0001639.
Fabry disease. Also called: GLA DEFICIENCY; HEREDITARY DYSTOPIC LIPIDOSIS; Angiokeratoma corporis diffusum; Fabry's disease; ALPHA-GALACTOSIDASE A DEFICIENCY; ANDERSON-FABRY DISEASE. Identifiers: Orphanet 324, MedGen C0002986, MONDO:0010526, OMIM 301500, HP:0001071. Disease mechanism: Fabry disease is due to inactivating mutations in the X-linked GLA gene resulting in deficiency of the enzyme Alpha Galactosidase-A., loss of function.
Cardiovascular phenotype. Identifiers: MedGen CN230736.
Cardiomyopathy (CMYO). Also called: Cardiomyopathies. Identifiers: Orphanet 167848, MedGen C0878544, MONDO:0004994, HP:0001638. Inheritance: Various modes of inheritance.

Allele frequency attached by ClinVar (database versions not stated): gnomAD exomes 0.00001 and 0.00004; TOPMed 0.00001.
gnomAD v4.1: 38 of 1,203,813 alleles (0.0032%); highest among the groups gnomAD compares: Non-Finnish European, 0.0042%; no homozygotes.

Submissions 1 to 7 of 28:

Genomenon, Inc
Classification: Pathogenic for Fabry disease. Last evaluated: 2026-09-08. Review status: criteria provided, single submitter. Criteria: Genomenon Sequence Variant Interpretation Standards - Updated. Collection method: curation. Allele origin: germline. Affected: yes.
Comment: GLA p.Asn215Ser (c.644A>G) is a missense variant that changes the amino acid at codon 215 from Asparagine to Serine. This variant has been observed in at least one proband with clinical features consistent with Fabry disease (PMID:29621274;39161721;24395922;27979989;35977816;16773563;19808286;33915609;28943383;36087038;20691627). The variant was found to segregate with disease in at least one affected family (PMID:26362204;30023289;26384850;38234860;32435590;23546814;15886492;36140787;5512362;40898253). Functional or patient cell studies have been reported (PMID:7504405;10666480;26070511;11531969;31010832;18651238;36143092;17555407;28351893;18698230). It is absent or not present at a significant frequency in gnomAD. In silico models predict that this variant is possibly or probably damaging. In conclusion, we classify GLA p.Asn215Ser (c.644A>G) as a pathogenic variant.

PreventionGenetics, part of Exact Sciences
Classification: Pathogenic for GLA-related condition. Last evaluated: 2026-03-24. Review status: criteria provided, single submitter. Criteria: ACMG Guidelines, 2015. Collection method: clinical testing. Allele origin: germline.
Comment: The GLA c.644A>G variant is predicted to result in the amino acid substitution p.Asn215Ser. This variant has been reported in both male and female patients affected with Fabry disease (see for example: Davies et al. 1993. PubMed ID: 8395937; Eng et al. 1993. PubMed ID: 7504405; Erdos et al. 2008. PubMed ID: 18849176; Duro et al. 2018. PubMed ID: 30477121; Germain et al. 2018. PubMed ID: 29649853), and hypertrophic cardiomyopathy (see for example: Alfares et al. 2015. PubMed ID: 25611685; Hathaway et al. 2021. PubMed ID: 33673806). In vitro functional assays demonstrate that this variant is associated with reduced alpha-galactosidase A enzyme activity compared to wild-type (Table S1, Lukas et al. 2013. PubMed ID: 23935525; Spada et al. 2006. PubMed ID: 16773563; Wu et al. 2011. PubMed ID: 21598360). This variant is reported in 0.0012% of alleles, including one hemizygote, in individuals of European (non-Finnish) descent in gnomAD. This variant is interpreted as pathogenic.

CeGaT Center for Human Genetics Tuebingen
Classification: Pathogenic. Last evaluated: 2026-03-01. Review status: criteria provided, single submitter. Criteria: CeGaT Center For Human Genetics Tuebingen Variant Classification Criteria Version 2. Collection method: clinical testing. Allele origin: germline. Affected: yes. Observed: 4 variant alleles.
Comment: GLA: PP1:Strong, PS4, PM1, PM2:Supporting, PS3:Supporting

Labcorp Genetics (formerly Invitae), Labcorp
Classification: Pathogenic for Fabry disease. Last evaluated: 2026-01-27. Review status: criteria provided, single submitter. Criteria: Invitae Variant Classification Sherloc (09022015). Collection method: clinical testing. Allele origin: germline.
Comment: This sequence change replaces asparagine, which is neutral and polar, with serine, which is neutral and polar, at codon 215 of the GLA protein (p.Asn215Ser). This variant is present in population databases (rs28935197, gnomAD 0.001%). This missense change has been observed in individuals with clinical features of Fabry disease (PMID: 8395937, 11531969, 11914245, 15091117, 15702404, 15712228, 18849176). ClinVar contains an entry for this variant (Variation ID: 10730). Invitae Evidence Modeling of protein sequence and biophysical properties (such as structural, functional, and spatial information, amino acid conservation, physicochemical variation, residue mobility, and thermodynamic stability) indicates that this missense variant is not expected to disrupt GLA protein function with a negative predictive value of 80%. Experimental studies have shown that this missense change affects GLA function (PMID: 16773563, 17555407, 21598360). For these reasons, this variant has been classified as Pathogenic.

Genetics Laboratory, Great Ormond Street Hospital NHS Foundation Trust, North Thames Genomic Laboratory Hub
Classification: Pathogenic for Fabry disease. Last evaluated: 2026-01-22. Review status: criteria provided, single submitter. Criteria: ACGS Best Practice Guidelines for Variant Classification in Rare Disease 2024 v1.2. Collection method: clinical testing. Allele origin: germline. Affected: yes.
Comment: PS4_moderate, PM2_moderate, PP3_supporting, PS3_supporting, PP4_strong

Color Diagnostics, LLC DBA Color Health
Classification: Pathogenic for Fabry disease. Last evaluated: 2025-11-03. Review status: criteria provided, single submitter. Criteria: ACMG Guidelines, 2015. Collection method: clinical testing. Allele origin: germline.
Comment: This missense variant replaces asparagine with serine at codon 215 of the GLA protein. Asn215 residue is known as one of the N-linked carbohydrate attachment sites, and glycosylation at this position is crucial for the efficient trafficking of the GLA enzyme to the lysosome (PMID: 9620884, 15003450). Computational prediction tools indicate that this variant has a deleterious impact on protein structure and function. Functional studies have shown that the mutant protein exhibits reduced GLA enzyme activity (PMID: 16773563, 17555407, 21598360). This variant has been reported in many individuals affected with Fabry disease, predominantly with cardiac manifestations in adulthood (PMID: 29649853, 32150461, 32435590, 32432376, 32963035, 33335842, 33807900, 35035949, 36087038, 37205992, 37480128, 38002959, 38234860, 39161721). This variant has also been reported in individuals affected with classic Fabry disease or renal impairment (PMID: 8395937, 29649853, 32435590, 35035949, 39348817). It has been shown that this variant segregates with Fabry disease in multiple individuals from two families (PMID: 28943383). This variant has been identified in 38/1203813 chromosomes in the general population by the Genome Aggregation Database (gnomAD). Based on the available evidence, this variant is classified as Pathogenic.

Ambry Genetics
Classification: Pathogenic for Cardiovascular phenotype. Last evaluated: 2025-09-12. Review status: criteria provided, single submitter. Criteria: Ambry Variant Classification Scheme 2023. Collection method: clinical testing. Allele origin: germline.
Comment: The c.644A>G (p.N215S) alteration is located in exon 5 (coding exon 5) of the GLA gene. This alteration results from an A to G substitution at nucleotide position 644, causing the asparagine (N) at amino acid position 215 to be replaced by a serine (S). Based on data from gnomAD, the G allele has an overall frequency of <0.001% (1/183422) total alleles studied. The highest observed frequency was 0.001% (1/81881) of European (non-Finnish) alleles. This variant was reported in individual(s) with features consistent with Fabry disease and segregated with disease in at least one family (Davies 1993; Walsh, 2017; Sugarman, 2018; Maron, 2018; Pasqualim, 2014; Militaru, 2019; Sheng, 2020; Tian, 2013; Duro, 2018; Sakuraba, 2018; Koulousios, 2017; Varela, 2020; Tomberli, 2013; Spada, 2006). Individuals with this alteration have been reported to have later age of onset and fewer extracardiac findings when compared to individuals with classic Fabry disease (Thomas, 2015; Frustaci, 2015; Sugarman, 2018; Lavalle, 2018; Oder, 2017; Germain, 2018). This amino acid position is highly conserved in available vertebrate species. In several functional in vitro analyses, this alteration has demonstrated a reduction in alpha-galactosidase A enzyme activity, suggesting variable expressivity among clinical phenotypes depending on residual enzyme activity (Spada, 2006; Wu, 2011; Ishii, 2007; Ebrahim, 2012). The in silico prediction for this alteration is inconclusive. Based on the available evidence, this alteration is classified as pathogenic.